The following is an entry in ClinVar:

ClinVar aggregate classification (germline): Likely benign (1 of 4 stars; one submission).

Conditions:
PHIP-related disorder. Also called: PHIP-related disorders; PHIP-related condition.

Submission:

PreventionGenetics, part of Exact Sciences
Classification: Likely benign for PHIP-related condition. Last evaluated: 2025-01-23. Review status: criteria provided, single submitter. Criteria: ACMG Guidelines, 2015. Collection method: clinical testing. Allele origin: germline.
Comment: This variant is classified as likely benign based on ACMG/AMP sequence variant interpretation guidelines (Richards et al. 2015 PMID: 25741868, with internal and published modifications).

NM_017934.7(PHIP):c.3656+1248T>C

Genes: IRAK1BP1 (interleukin 1 receptor associated kinase 1 binding protein 1; plus strand), PHIP (PHIP subunit of CUL4-Ring ligase complex; minus strand). Cytogenetic location: 6q14.1.
Variant type: single nucleotide variant.
Coding change: c.3656+1248T>C on transcript NM_017934.7 (MANE Select); 1248 bases into the intron after coding-DNA position 3656, T replaced by C.
Molecular consequence: intron variant.
Genome position (GRCh38, 1-based): chr6:78,960,442, A>G on the plus strand (T>C on the coding strand, the complement: PHIP is on the minus strand). VCF-style: chr6-78960442-A-G. GRCh37 (hg19) VCF-style: chr6-79670159-A-G.
Identifiers: ClinVar variation 4987284 (VCV004987284.1).